The following is an entry in ClinVar:

ClinVar aggregate classification (germline): Conflicting classifications of pathogenicity. Review status: criteria provided, conflicting classifications (1 of 4 stars). 4 submissions from 4 submitters: Uncertain significance (1); Likely benign (3). Last evaluated 2025-12-01.

Allele frequency attached by ClinVar (database versions not stated): TOPMed 0.00092; gnomAD 0.00094 and 0.00091; ESP Exome Variant Server 0.00098; ExAC 0.00108; 1000 Genomes Project 0.00020; 1000 Genomes Project 30x 0.00031.
gnomAD v4.1: 2,034 of 1,614,072 alleles (0.13%); highest among the groups gnomAD compares: Non-Finnish European, 0.15%; 3 homozygotes.

Submissions (4):

CeGaT Center for Human Genetics Tuebingen
Classification: Likely benign. Last evaluated: 2025-12-01. Review status: criteria provided, single submitter. Criteria: CeGaT Center For Human Genetics Tuebingen Variant Classification Criteria Version 2. Collection method: clinical testing. Allele origin: germline. Affected: yes. Observed: 4 variant alleles.
Comment: HTT: BP4, BS2

Labcorp Genetics (formerly Invitae), Labcorp
Classification: Uncertain significance. Last evaluated: 2025-07-14. Review status: criteria provided, single submitter. Criteria: Invitae Variant Classification Sherloc (09022015). Collection method: clinical testing. Allele origin: germline.
Comment: This sequence change replaces alanine, which is neutral and non-polar, with glycine, which is neutral and non-polar, at codon 1117 of the HTT protein (p.Ala1117Gly). This variant is present in population databases (rs1065747, gnomAD 0.2%), and has an allele count higher than expected for a pathogenic variant. This variant has not been reported in the literature in individuals affected with HTT-related conditions. ClinVar contains an entry for this variant (Variation ID: 445887). Experimental studies and prediction algorithms are not available or were not evaluated, and the functional significance of this variant is currently unknown. In summary, the available evidence is currently insufficient to determine the role of this variant in disease. Therefore, it has been classified as a Variant of Uncertain Significance.

Blueprint Genetics
Classification: Likely benign. Last evaluated: 2024-11-14. Review status: criteria provided, single submitter. Criteria: ACMG Guidelines, 2015. Collection method: clinical testing. Allele origin: germline.

Center for Pediatric Genomic Medicine, Children's Mercy Hospital and Clinics
Classification: Likely benign. Last evaluated: 2017-02-24. Review status: criteria provided, single submitter. Criteria: ACMG Guidelines, 2015. Collection method: clinical testing. Allele origin: germline.

NM_001388492.1(HTT):c.3344C>G (p.Ala1115Gly)

Gene: HTT (huntingtin; plus strand). Cytogenetic location: 4p16.3.
Variant type: single nucleotide variant.
Coding change: c.3344C>G on transcript NM_001388492.1 (MANE Select); coding-DNA position 3344, C replaced by G.
Protein change: p.Ala1115Gly; replaces alanine 1115 with glycine.
Molecular consequence: missense variant.
Genome position (GRCh38, 1-based): chr4:3,148,053, C>G. VCF-style: chr4-3148053-C-G. GRCh37 (hg19) VCF-style: chr4-3149780-C-G.
Other names: c.3350C>G, p.Ala1117Gly (NM_002111.8); short protein forms A1117G, A1115G.
Identifiers: ClinVar variation 445887 (VCV000445887.31), dbSNP rs1065747, ClinGen allele CA2824125.